The following is an entry in ClinVar:

NM_032043.3(BRIP1):c.182T>C (p.Leu61Ser)

Gene: BRIP1 (BRCA1 interacting DNA helicase 1; minus strand). Cytogenetic location: 17q23.2.
Variant type: single nucleotide variant.
Coding change: c.182T>C on transcript NM_032043.3 (MANE Select); coding-DNA position 182, T replaced by C.
Protein change: p.Leu61Ser; replaces leucine 61 with serine.
Molecular consequence: missense variant.
Genome position (GRCh38, 1-based): chr17:61,859,819, A>G on the plus strand (T>C on the coding strand, the complement: BRIP1 is on the minus strand). VCF-style: chr17-61859819-A-G. GRCh37 (hg19) VCF-style: chr17-59937180-A-G.
Other names: short protein forms L61S.
Identifiers: ClinVar variation 581281 (VCV000581281.14), dbSNP rs1567876917, ClinGen allele CA400485696.
Genomic context (GRCh38, chr17:61,859,819, plus strand): 5'-CCAGTAAGTAACCTGAAGATATCAAGCAACTACTTACCACTAAGAGATTGTTGCCATGCT[A>G]AAGCAGAACAAAGTAAGGCTAAGCTTTTTCCACTTCCTGTGGGACTCTCCAACAAACAAT-3'
Protein context (NP_114432.2, residues 51-71): GKSLALLCSA[Leu61Ser]AWQQSLSGKP

ClinVar aggregate classification (germline): Uncertain significance. Review status: criteria provided, multiple submitters, no conflicts (2 of 4 stars). 2 submissions from 2 submitters: Uncertain significance (2). Last evaluated 2025-07-31.

Conditions:
Familial cancer of breast. Also called: hereditary breast carcinoma; BREAST CANCER, FAMILIAL; Hereditary breast cancer. Identifiers: Orphanet 227535, MedGen C0346153, MONDO:0016419, OMIM 114480. Disease mechanism: loss of function.
Fanconi anemia complementation group J. Also called: BRIP1-Related Fanconi Anemia. Identifiers: Orphanet 84, MedGen C1836860, MONDO:0012187, OMIM 609054.
Hereditary cancer-predisposing syndrome. Also called: Neoplastic Syndromes, Hereditary; Hereditary Cancer Syndrome; Tumor predisposition; Hereditary neoplastic syndrome. Identifiers: Orphanet 140162, MedGen C0027672, MeSH D009386, MONDO:0015356.

Allele frequency attached by ClinVar (database versions not stated): gnomAD exomes 0.00001.
gnomAD v4.1: 7 of 1,613,302 alleles (0.00043%); highest among the groups gnomAD compares: Non-Finnish European, 0.00059%; no homozygotes.

Submissions (2):

Labcorp Genetics (formerly Invitae), Labcorp
Classification: Uncertain significance for Familial cancer of breast; Fanconi anemia complementation group J. Last evaluated: 2025-07-31. Review status: criteria provided, single submitter. Criteria: Invitae Variant Classification Sherloc (09022015). Collection method: clinical testing. Allele origin: germline.
Comment: This sequence change replaces leucine, which is neutral and non-polar, with serine, which is neutral and polar, at codon 61 of the BRIP1 protein (p.Leu61Ser). This variant is not present in population databases (gnomAD no frequency). This variant has not been reported in the literature in individuals affected with BRIP1-related conditions. ClinVar contains an entry for this variant (Variation ID: 581281). Invitae Evidence Modeling of protein sequence and biophysical properties (such as structural, functional, and spatial information, amino acid conservation, physicochemical variation, residue mobility, and thermodynamic stability) indicates that this missense variant is expected to disrupt BRIP1 protein function with a positive predictive value of 95%. In summary, the available evidence is currently insufficient to determine the role of this variant in disease. Therefore, it has been classified as a Variant of Uncertain Significance.

Ambry Genetics
Classification: Uncertain significance for Hereditary cancer-predisposing syndrome. Last evaluated: 2023-07-16. Review status: criteria provided, single submitter. Criteria: Ambry Variant Classification Scheme 2023. Collection method: clinical testing. Allele origin: germline.
Comment: The p.L61S variant (also known as c.182T>C), located in coding exon 2 of the BRIP1 gene, results from a T to C substitution at nucleotide position 182. The leucine at codon 61 is replaced by serine, an amino acid with dissimilar properties. This amino acid position is conserved. In addition, this alteration is predicted to be deleterious by in silico analysis. Since supporting evidence is limited at this time, the clinical significance of this alteration remains unclear.